The following is an entry in ClinVar:

NM_001374828.1(ARID1B):c.5206G>T (p.Val1736Leu)

Gene: ARID1B (AT-rich interaction domain 1B; plus strand). Cytogenetic location: 6q25.3.
Variant type: single nucleotide variant.
Coding change: c.5206G>T on transcript NM_001374828.1 (MANE Select); coding-DNA position 5206, G replaced by T.
Protein change: p.Val1736Leu; replaces valine 1736 with leucine.
Molecular consequence: missense variant.
Genome position (GRCh38, 1-based): chr6:157,201,431, G>T. VCF-style: chr6-157201431-G-T. GRCh37 (hg19) VCF-style: chr6-157522565-G-T.
Other names: c.2707G>T, p.Val903Leu (NM_001363725.2); c.5086G>T, p.Val1696Leu (NM_001371656.1, NM_001374820.1); c.5047G>T, p.Val1683Leu (NM_017519.3); c.4837G>T (NM_020732.3); short protein forms V1683L, V1696L, V1736L, V903L.
Identifiers: ClinVar variation 3600980 (VCV003600980.1).

ClinVar aggregate classification (germline): Uncertain significance (1 of 4 stars; one submission).

Submission:

GeneDx
Classification: Uncertain significance. Last evaluated: 2024-07-23. Review status: criteria provided, single submitter. Criteria: GeneDx Variant Classification Process June 2021. Collection method: clinical testing. Allele origin: germline. Affected: yes.
Comment: Not observed at significant frequency in large population cohorts (gnomAD); In silico analysis supports that this missense variant has a deleterious effect on protein structure/function; Has not been previously published as pathogenic or benign to our knowledge